The following is an entry in ClinVar:

NM_019066.5(MAGEL2):c.623del (p.Pro208fs)

Gene: MAGEL2 (MAGE family member L2; minus strand). Cytogenetic location: 15q11.2.
Variant type: Deletion.
Coding change: c.623del on transcript NM_019066.5 (MANE Select); coding-DNA position 623, one base deleted (C; older notation c.623delC).
Protein change: p.Pro208fs; shifts the reading frame from proline 208.
Molecular consequence: frameshift variant.
Genome position (GRCh38, 1-based): chr15:23,647,120, G deleted on the plus strand (C on the coding strand, the reverse complement: MAGEL2 is on the minus strand); the first of 2 consecutive G bases (chr15:23,647,120-23,647,121); deleting either gives the same sequence. VCF-style (leftmost placement, unchanged base first): chr15-23647119-CG-C. GRCh37 (hg19) VCF-style: chr15-23892266-CG-C.
Other names: short protein forms P208fs.
Identifiers: ClinVar variation 4999976 (VCV004999976.1).

ClinVar aggregate classification (germline): Likely pathogenic (1 of 4 stars; one submission).

Conditions:
MAGEL2-related disorder. Also called: MAGEL2-related condition.

Submission:

PreventionGenetics, part of Exact Sciences
Classification: Likely pathogenic for MAGEL2-related condition. Last evaluated: 2025-05-17. Review status: criteria provided, single submitter. Criteria: ACMG Guidelines, 2015. Collection method: clinical testing. Allele origin: germline.
Comment: The MAGEL2 c.623delC variant is predicted to result in a frameshift and premature protein termination (p.Pro208Argfs*31). To our knowledge, this variant has not been reported in the literature or in a large population database (gnomAD), indicating this variant is rare. At the time of reporting, this variant was not present in ClinVar. Frameshift variants in MAGEL2 are expected to be pathogenic (Chet et al. 2020. PubMedID: 32879135; Schubert et al. 2024. PubMedID: 38950199). This variant is interpreted as likely pathogenic.